The following is an entry in ClinVar:

NM_000443.4(ABCB4):c.1745G>A (p.Arg582Gln)

Gene: ABCB4 (ATP binding cassette subfamily B member 4; minus strand). Cytogenetic location: 7q21.12.
Variant type: single nucleotide variant.
Coding change: c.1745G>A on transcript NM_000443.4 (MANE Select); coding-DNA position 1745, G replaced by A.
Protein change: p.Arg582Gln; replaces arginine 582 with glutamine.
Molecular consequence: missense variant.
Genome position (GRCh38, 1-based): chr7:87,431,552, C>T on the plus strand (G>A on the coding strand, the complement: ABCB4 is on the minus strand). VCF-style: chr7-87431552-C-T. GRCh37 (hg19) VCF-style: chr7-87060868-C-T.
Other names: c.1745G>A, p.Arg582Gln (NM_018849.3, NM_018850.3); short protein forms R582Q.
Identifiers: ClinVar variation 802327 (VCV000802327.11), dbSNP rs760153272, ClinGen allele CA4327213.

ClinVar aggregate classification (germline): Conflicting classifications of pathogenicity. Review status: criteria provided, conflicting classifications (1 of 4 stars). 8 submissions from 8 submitters: Pathogenic (2); Likely pathogenic (4); Uncertain significance (2). Last evaluated 2026-04-14.

Conditions:
ABCB4-related disorder. Also called: ABCB4-related disorders; ABCB4-related condition.
Progressive familial intrahepatic cholestasis type 3. Also called: MDR3 DEFICIENCY; Low Gamma-GT Familial Intrahepatic Cholestasis. Identifiers: Orphanet 79305, MedGen C1865643, MONDO:0011214, OMIM 602347.
Cholestasis, intrahepatic, of pregnancy, 3. Identifiers: Orphanet 69665, MedGen C3554241, MONDO:0013995, OMIM 614972.
Low phospholipid associated cholelithiasis (GBD1). Also called: Gallstone cholecystitis; Gallbladder disease 1. Identifiers: Orphanet 69663, MedGen C2609268, MONDO:0010939, OMIM 600803.
Progressive familial intrahepatic cholestasis type 1. Also called: Byler's disease; BYLER DISEASE; Severe ATP8B1 Deficiency (Progressive Familial Intrahepatic Cholestasis Type 1 [PFIC1]). Identifiers: Orphanet 79306, MedGen C4551898, MONDO:0008892, OMIM 211600.
Familial intrahepatic cholestasis. Identifiers: Orphanet 284385, MedGen CN296401, MONDO:0017290.

Allele frequency attached by ClinVar (database versions not stated): gnomAD exomes below 0.00001; ExAC 0.00001; gnomAD 0.00001.
gnomAD v4.1: 7 of 1,613,892 alleles (0.00043%); highest among the groups gnomAD compares: Non-Finnish European, 0.00042%; no homozygotes.

Submissions (8):

Genomenon, Inc
Classification: Likely pathogenic for Familial intrahepatic cholestasis. Last evaluated: 2026-04-14. Review status: criteria provided, single submitter. Criteria: Genomenon Sequence Variant Interpretation Standards - Updated. Collection method: curation. Allele origin: germline. Affected: yes.
Comment: ABCB4 p.Arg582Gln (c.1745G>A) is a missense variant that changes the amino acid at residue 582 from Arginine to Glutamine. This variant has been observed in at least one proband with an ABCB4-related disorder (PMID:41165782;33757843;22343912). It has been observed in trans with a pathogenic or likely pathogenic variant (PMID:22343912). It is absent or not present at a significant frequency in gnomAD. In silico models predict that this variant is possibly or probably damaging. In conclusion, we classify ABCB4 p.Arg582Gln (c.1745G>A) as a likely pathogenic variant.

Dasa
Classification: Likely pathogenic. Last evaluated: 2025-12-29. Review status: criteria provided, single submitter. Criteria: DASA Assertion Criteria. Collection method: clinical testing. Allele origin: germline.
Comment: NM_000443.4(ABCB4):c.1745G>A (p.Arg582Gln) is a missense variant that results in the substitution of arginine with glutamine. This variant has been recurrently observed in individuals with ABCB4-related disorders (PMID: 38343606; PMID: 22343912; PMID: 32793533). Also, this variant is rare in population databases. Computational evidence supports a deleterious effect. Based on the currently available evidence, this variant is classified as likely pathogenic.

Blueprint Genetics
Classification: Pathogenic for ABCB4-related disorders. Last evaluated: 2024-08-12. Review status: criteria provided, single submitter. Criteria: ACMG Guidelines, 2015. Collection method: clinical testing. Allele origin: germline. Affected: yes. Observed: 5 variant alleles.

Labcorp Genetics (formerly Invitae), Labcorp
Classification: Uncertain significance. Last evaluated: 2024-08-05. Review status: criteria provided, single submitter. Criteria: Invitae Variant Classification Sherloc (09022015). Collection method: clinical testing. Allele origin: germline.
Comment: This sequence change replaces arginine, which is basic and polar, with glutamine, which is neutral and polar, at codon 582 of the ABCB4 protein (p.Arg582Gln). This variant is present in population databases (rs760153272, gnomAD 0.0009%). This missense change has been observed in individual(s) with ABCB4-related conditions (PMID: 22343912, 31538484, 33757843). In at least one individual the data is consistent with being in trans (on the opposite chromosome) from a pathogenic variant. ClinVar contains an entry for this variant (Variation ID: 802327). An algorithm developed to predict the effect of missense changes on protein structure and function outputs the following: PolyPhen-2: "Benign". The glutamine amino acid residue is found in multiple mammalian species, which suggests that this missense change does not adversely affect protein function. In summary, the available evidence is currently insufficient to determine the role of this variant in disease. Therefore, it has been classified as a Variant of Uncertain Significance.

Fulgent Genetics
Classification: Likely pathogenic for Low phospholipid associated cholelithiasis; Progressive familial intrahepatic cholestasis type 3; Cholestasis, intrahepatic, of pregnancy, 3. Last evaluated: 2024-05-22. Review status: criteria provided, single submitter. Criteria: ACMG Guidelines, 2015. Collection method: clinical testing. Allele origin: germline.

Women's Health and Genetics/Laboratory Corporation of America, LabCorp
Classification: Uncertain significance. Last evaluated: 2024-05-16. Review status: criteria provided, single submitter. Criteria: LabCorp Variant Classification Summary - May 2015. Collection method: clinical testing. Allele origin: germline.
Comment: Variant summary: ABCB4 c.1745G>A (p.Arg582Gln) results in a conservative amino acid change located in the ABC transporter-like, ATP-binding domain (IPR003439) of the encoded protein sequence. Three of five in-silico tools predict a damaging effect of the variant on protein function. The variant allele was found at a frequency of 4e-06 in 250984 control chromosomes. c.1745G>A has been reported in the literature in the compound heterozygous state in individuals affected with Intrahepatic Cholestasis (e.g. Fang_2012, Huynh_2019, Lipinski_2020). These data indicate that the variant may be associated with disease. To our knowledge, no experimental evidence demonstrating an impact on protein function has been reported. The following publications have been ascertained in the context of this evaluation (PMID: 22343912, 31538484, 32793533). ClinVar contains an entry for this variant (Variation ID: 802327). Based on the evidence outlined above, the variant was classified as VUS-possibly pathogenic.

Mendelics
Classification: Pathogenic for Progressive familial intrahepatic cholestasis type 1. Last evaluated: 2019-05-28. Review status: criteria provided, single submitter. Criteria: Mendelics Assertion Criteria 2017. Collection method: clinical testing. Allele origin: unknown.

Lifecell International Pvt. Ltd
Classification: Likely pathogenic for Progressive familial intrahepatic cholestasis type 3. Review status: criteria provided, single submitter. Criteria: ACMG Guidelines, 2015. Collection method: clinical testing. Allele origin: germline. Inheritance: Autosomal recessive inheritance. Affected: yes. Observed: 1 homozygote.
Comment: A Homozygote Missense variant c.1745G>A in Exon 15 of the ABCB4 gene that results in the amino acid substitution p.Arg582Gln was identified. The observed variant is novel in gnomAD exomes and genomes. The severity of the impact of this variant on the protein is medium, based on the effect of the protein and REVEL score. Rare Exome Variant Ensemble Learner (REVEL) is an ensembl method for predicting the pathogenicity of missense variants based on a combination of scores from 13 individual tools: MutPred, FATHMM v2.3, VEST 3.0, PolyPhen-2, SIFT, PROVEAN, MutationAssessor, MutationTaster, LRT, GERP++, SiPhy, phyloP, and phastCons. The REVEL score for an individual missense variant can range from 0 to 1, with higher scores reflecting greater likelihood that the variant is disease-causing. ClinVar has also classified this variant as Pathogenic [Variation ID: 802327]. The observed variant has been previously reported in patients affected with Progressive familial intrahepatic cholestasis type 3(Lipiński, Patryk et al., 2021). For these reasons, this variant has been classified as Likely Pathogenic.

Literature cited by the submitters: PubMed 41165782 (cited by Genomenon, Inc); PubMed 33757843 (cited by 3 submitters); PubMed 22343912 (cited by 4 submitters); PubMed 38343606 (cited by Dasa); PubMed 32793533 (cited by Dasa and Women's Health and Genetics/Laboratory Corporation of America, LabCorp); PubMed 31538484 (cited by Labcorp Genetics (formerly Invitae), Labcorp and Women's Health and Genetics/Laboratory Corporation of America, LabCorp).